The following is an entry in ClinVar:

ClinVar aggregate classification (germline): Pathogenic/Likely pathogenic. Review status: criteria provided, multiple submitters, no conflicts (2 of 4 stars). 21 submissions from 21 submitters: Pathogenic (18); Likely pathogenic (1). 2 of the submissions do not count toward it. Last evaluated 2025-11-23.

Conditions:
Citrullinemia. Identifiers: Orphanet 187, MedGen C0175683, MONDO:0015991.
ASS1-related disorder. Also called: ASS1-related condition.
Citrullinemia type I (CTNL1). Also called: ASS DEFICIENCY; argininosuccinate synthetase deficiency. Identifiers: Orphanet 247525, MedGen C4721769, MONDO:0008988, OMIM 215700.

Allele frequency attached by ClinVar (database versions not stated): gnomAD 0.00004 and 0.00005; gnomAD exomes 0.00005; ExAC 0.00005; 1000 Genomes Project 30x 0.00016; TOPMed 0.00005; 1000 Genomes Project 0.00020.

Submissions 1 to 14 of 21:

Labcorp Genetics (formerly Invitae), Labcorp
Classification: Pathogenic for Citrullinemia. Last evaluated: 2025-11-23. Review status: criteria provided, single submitter. Criteria: Invitae Variant Classification Sherloc (09022015). Collection method: clinical testing. Allele origin: germline.
Comment: This sequence change replaces valine, which is neutral and non-polar, with methionine, which is neutral and non-polar, at codon 263 of the ASS1 protein (p.Val263Met). This variant is present in population databases (rs192838388, gnomAD 0.01%). This missense change has been observed in individuals with Citrullinemia type I (PMID: 4680976, 18473344, 18925679, 23780642). ClinVar contains an entry for this variant (Variation ID: 92372). Invitae Evidence Modeling of protein sequence and biophysical properties (such as structural, functional, and spatial information, amino acid conservation, physicochemical variation, residue mobility, and thermodynamic stability) indicates that this missense variant is expected to disrupt ASS1 protein function with a positive predictive value of 80%. Experimental studies have shown that this missense change affects ASS1 function (PMID: 18473344). For these reasons, this variant has been classified as Pathogenic.

Natera, Inc.
Classification: Pathogenic for Citrullinemia type I. Last evaluated: 2025-07-25. Review status: criteria provided, single submitter. Criteria: Natera Variant Classification Schema (03/2026). Collection method: clinical testing. Allele origin: germline.
Comment: The c.787G>A variant in ASS1 is a missense variant predicted to cause substitution of valine to methionine at amino acid 263. This variant is rare in the general population with a frequency below the threshold expected for the associated phenotype(s). This variant has been observed in one or more individuals affected with the associated recessive disease, as either homozygous or compound heterozygous with a second variant (PMID: 28111830). Additionally, this variant has been observed to segregate in affected family members (PMID: 28111830). Given the available evidence, this variant is classified as Pathogenic.

First Genomix Gene Laboratory, Genetic Diagnostics Department
Classification: Pathogenic for Citrullinemia type I. Last evaluated: 2025-06-25. Review status: criteria provided, single submitter. Criteria: ACMG Guidelines, 2015. Collection method: clinical testing. Allele origin: germline. Inheritance: Autosomal recessive inheritance. Affected: no. Observed: 1 variant allele.

PreventionGenetics, part of Exact Sciences
Classification: Pathogenic for ASS1-related condition. Last evaluated: 2025-04-19. Review status: criteria provided, single submitter. Criteria: ACMG Guidelines, 2015. Collection method: clinical testing. Allele origin: germline.
Comment: The ASS1 c.787G>A variant is predicted to result in the amino acid substitution p.Val263Met. This variant has been reported in multiple studies as causative for citrullinemia type I (Häberle et al. 2003. PubMed ID: 14680976; Sander et al. 2003. PubMed ID: 12684898; Diez-Fernandez et al. 2017. PubMed ID: 28111830). Functional studies have found that the p.Val263Met amino acid substitution results in <40% protein activity relative to wild-type (Berning et al. 2008. PubMed ID: 18473344). This variant is present in 0.0096% of alleles in individuals of Ashkenazi Jewish descent in gnomAD. This variant is interpreted as pathogenic.

Revvity Omics, Revvity
Classification: Pathogenic for Citrullinemia type I. Last evaluated: 2025-01-09. Review status: criteria provided, single submitter. Criteria: ACMG Guidelines, 2015. Collection method: clinical testing. Allele origin: germline.

Blueprint Genetics
Classification: Pathogenic for ASS1-related disorders. Last evaluated: 2024-10-11. Review status: criteria provided, single submitter. Criteria: ACMG Guidelines, 2015. Collection method: clinical testing. Allele origin: germline. Affected: yes. Observed: 5 variant alleles.

Centre for Inherited Metabolic Diseases, Karolinska University Hospital
Classification: Pathogenic for Citrullinemia type I. Last evaluated: 2024-07-23. Review status: criteria provided, single submitter. Criteria: ACMG Guidelines, 2015. Collection method: clinical testing. Allele origin: inherited. Inheritance: Autosomal recessive inheritance. Affected: yes. Observed: 1 compound heterozygote.
Comment: The variant is frequently reported as pathogenic in various databases such as HGMD and Clinvar (PS1). The variant was observed in trans with a pathogenic variant (PM3). The clinical test in combination with phenotye allows for use of PP4 - strong (based on Biesecker et al. 2024 ClinGen guidance for use of the PP1/BS4 co-segregation and PP4 phenotype specificity criteria, PMID: 38103548)

Laboratory of Medical Genetics, National & Kapodistrian University of Athens
Classification: Pathogenic for Citrullinemia type I. Last evaluated: 2024-02-01. Review status: criteria provided, single submitter. Criteria: ACMG Guidelines, 2015. Collection method: curation. Allele origin: germline. Affected: no.

Fulgent Genetics
Classification: Pathogenic for Citrullinemia type I. Last evaluated: 2024-01-29. Review status: criteria provided, single submitter. Criteria: ACMG Guidelines, 2015. Collection method: clinical testing. Allele origin: germline.

Department of Pathology and Laboratory Medicine, Sinai Health System
Classification: Pathogenic for citrullinemia type I. Last evaluated: 2023-03-21. Review status: criteria provided, single submitter. Criteria: ACMG Guidelines, 2015. Collection method: research. Allele origin: germline.

Laboratory for Molecular Medicine, Mass General Brigham Personalized Medicine
Classification: Pathogenic for Citrullinemia type I. Last evaluated: 2023-02-21. Review status: criteria provided, single submitter. Criteria: ACMG Guidelines, 2015. Collection method: clinical testing. Allele origin: germline. Inheritance: Autosomal recessive inheritance.
Comment: The p.Val263Met (NM_000050.4 c.787G>A) variant in ASS1 has been reported in at least 6 compound heterozygous and 6 homozygous individuals with mild citrullinemia and segregated in 2 siblings from two families (Haeberle 2003 PMID: 14680976, Diez-Fernandez 2017 PMID: 28111830). Some of these individuals were asymptomatic despite having mild hypercitrullinaemia (Haeberle 2003 PMID: 14680976, Diez-Fernandez 2017 PMID: 28111830). It has been identified in 0.01% (1/10148) of Ashkenazi Jewish chromosomes by the Genome Aggregation Database (gnomAD; dbSNP rs192838388), and ] has also been reported in ClinVar (Variation ID#92372) as pathogenic by several clinical laboratories. This variant led to reduced enzyme activity (36% as compared to wild-type) in in vitro studies (Berning 2008 PMID: 18473344). In addition, computational prediction tools suggest that the variant may impact the protein. In summary, the p.Val263Met variant meets criteria to be classified as pathogenic for citrullinemia in an autosomal recessive manner, though it is associated with a milder phenotype. ACMG/AMP Criteria applied: PM3_VeryStrong, PP1_Moderate, PS3_Supporting, PM2_Supporting, PP3.

GeneDx
Classification: Pathogenic. Last evaluated: 2022-06-02. Review status: criteria provided, single submitter. Criteria: GeneDx Variant Classification Process June 2021. Collection method: clinical testing. Allele origin: germline. Affected: yes.
Comment: Published functional studies demonstrate a damaging effect, V263M mutant protein expressed in E.coli yielded 30% residual enzymatic activity (PMID: 18473344); Not observed at significant frequency in large population cohorts (gnomAD); In silico analysis supports that this missense variant does not alter protein structure/function; This variant is associated with the following publications: (PMID: 23757202, 21244552, 34598035, 14680976, 20690080, 26589311, 28111830, 30609409, 34426522, 31589614, 32778825, 31469252, 35726796, 35267200, 25433810, 20301631, 25047749, 23780642, 22473243, 12684898, 31208364, 18473344, 18925679)

CeGaT Center for Human Genetics Tuebingen
Classification: Pathogenic. Last evaluated: 2021-09-01. Review status: criteria provided, single submitter. Criteria: CeGaT Center For Human Genetics Tuebingen Variant Classification Criteria Version 2. Collection method: clinical testing. Allele origin: germline. Affected: yes. Observed: 2 variant alleles.

Women's Health and Genetics/Laboratory Corporation of America, LabCorp
Classification: Pathogenic for Citrullinuria. Last evaluated: 2020-04-02. Review status: criteria provided, single submitter. Criteria: LabCorp Variant Classification Summary - May 2015. Collection method: clinical testing. Allele origin: germline.
Comment: Variant summary: ASS1 c.787G>A (p.Val263Met) results in a conservative amino acid change in the encoded protein sequence. Four of five in-silico tools predict a damaging effect of the variant on protein function. The variant allele was found at a frequency of 4.8e-05 in 251362 control chromosomes (gnomAD). This frequency is not higher than expected for a pathogenic variant in ASS1 causing Citrullinemia Type I (4.8e-05 vs 0.0041), allowing no conclusion about variant significance. c.787G>A has been reported in the literature in multiple individuals in compound heterozygous or homozygous state affected with mild citrullinemia (Haberie_2003, Dimmock_2008, Barends_2014, Diez-Fernandez_2017). These data indicate that the variant is very likely to be associated with disease. At least one in vitro functional study reports this variant had an impact on protein function and results in 36% of normal activity. Six Four ClinVar submitters (evaluation after 2014) cite the variant as pathogenic (4x) and likely pathogenic (2x). Based on the evidence outlined above, the variant was classified as pathogenic.

NM_054012.4(ASS1):c.787G>A (p.Val263Met)

Gene: ASS1 (argininosuccinate synthase 1; plus strand). Cytogenetic location: 9q34.11.
Variant type: single nucleotide variant.
Coding change: c.787G>A on transcript NM_054012.4 (MANE Select); coding-DNA position 787, G replaced by A.
Protein change: p.Val263Met; replaces valine 263 with methionine.
Molecular consequence: missense variant.
Genome position (GRCh38, 1-based): chr9:130,480,398, G>A. VCF-style: chr9-130480398-G-A. GRCh37 (hg19) VCF-style: chr9-133355785-G-A.
Other names: p.V263M:GTG>ATG; c.787G>A, p.Val263Met (NM_000050.4); short protein forms V263M.
Identifiers: ClinVar variation 92372 (VCV000092372.77), dbSNP rs192838388, ClinGen allele CA266753.
Genomic context (GRCh38, chr9:130,480,398, plus strand): 5'-GAGCCTTGCGGTAGCGCCCGAACCTAATGGACCAGTTCTTCCCACAGGGGCAAGCATGGC[G>A]TGGGCCGTATTGACATCGTGGAGAACCGCTTCATTGGAATGAAGTCCCGAGGTGAGTCTG-3'
Protein context (NP_446464.1, residues 253-273): YLNEVAGKHG[Val263Met]GRIDIVENRF